The following is an entry in ClinVar:

NM_001199138.2(NLRC4):c.2804C>T (p.Pro935Leu)

Gene: NLRC4 (NLR family CARD domain containing 4; minus strand). Cytogenetic location: 2p22.3.
Variant type: single nucleotide variant.
Coding change: c.2804C>T on transcript NM_001199138.2 (MANE Select); coding-DNA position 2804, C replaced by T.
Protein change: p.Pro935Leu; replaces proline 935 with leucine.
Molecular consequence: missense variant.
Genome position (GRCh38, 1-based): chr2:32,224,744, G>A on the plus strand (C>T on the coding strand, the complement: NLRC4 is on the minus strand). VCF-style: chr2-32224744-G-A. GRCh37 (hg19) VCF-style: chr2-32449813-G-A.
Other names: c.2804C>T, p.Pro935Leu (NM_001199139.2, NM_021209.5); c.809C>T, p.Pro270Leu (NM_001302504.2); short protein forms P270L, P935L.
Identifiers: ClinVar variation 1962565 (VCV001962565.5), dbSNP rs1207835615, ClinGen allele CA346519581.

ClinVar aggregate classification (germline): Uncertain significance (1 of 4 stars; one submission).

Conditions:
Familial cold autoinflammatory syndrome 4 (FCAS4). Identifiers: Orphanet 47045, Orphanet 576349, MedGen C4015276, MONDO:0014498, OMIM 616115.
Periodic fever-infantile enterocolitis-autoinflammatory syndrome. Also called: Autoinflammation with infantile enterocolitis. Identifiers: Orphanet 436166, MedGen C4015067, MONDO:0014472, OMIM 616050.

Allele frequency attached by ClinVar (database versions not stated): TOPMed below 0.00001; gnomAD 0.00001.

Submission:

Labcorp Genetics (formerly Invitae), Labcorp
Classification: Uncertain significance for Periodic fever-infantile enterocolitis-autoinflammatory syndrome; Familial cold autoinflammatory syndrome 4. Last evaluated: 2025-08-11. Review status: criteria provided, single submitter. Criteria: Invitae Variant Classification Sherloc (09022015). Collection method: clinical testing. Allele origin: germline.
Comment: This sequence change replaces proline, which is neutral and non-polar, with leucine, which is neutral and non-polar, at codon 935 of the NLRC4 protein (p.Pro935Leu). This variant is present in population databases (no rsID available, gnomAD 0.01%). This variant has not been reported in the literature in individuals affected with NLRC4-related conditions. ClinVar contains an entry for this variant (Variation ID: 1962565). Invitae Evidence Modeling of protein sequence and biophysical properties (such as structural, functional, and spatial information, amino acid conservation, physicochemical variation, residue mobility, and thermodynamic stability) indicates that this missense variant is not expected to disrupt NLRC4 protein function with a negative predictive value of 80%. In summary, the available evidence is currently insufficient to determine the role of this variant in disease. Therefore, it has been classified as a Variant of Uncertain Significance.